The following is an entry in ClinVar:

NM_001267550.2(TTN):c.28466G>A (p.Arg9489Gln)

Gene: TTN (titin; minus strand). Cytogenetic location: 2q31.2.
Variant type: single nucleotide variant.
Coding change: c.28466G>A on transcript NM_001267550.2 (MANE Select); coding-DNA position 28466, G replaced by A.
Protein change: p.Arg9489Gln; replaces arginine 9489 with glutamine.
Molecular consequence: missense variant. On other transcripts: intron variant (3).
Genome position (GRCh38, 1-based): chr2:178,709,853, C>T on the plus strand (G>A on the coding strand, the complement: TTN is on the minus strand). VCF-style: chr2-178709853-C-T. GRCh37 (hg19) VCF-style: chr2-179574580-C-T.
Other names: c.27515G>A, p.Arg9172Gln (NM_001256850.1); c.13282+28229G>A (NM_003319.4); c.13858+28229G>A (NM_133437.4); c.13657+28229G>A (NM_133432.3); c.24734G>A, p.Arg8245Gln (NM_133378.4); short protein forms R8245Q, R9489Q, R9172Q.
Identifiers: ClinVar variation 166134 (VCV000166134.16), dbSNP rs189431308, ClinGen allele CA178934.

ClinVar aggregate classification (germline): Uncertain significance. Review status: criteria provided, multiple submitters, no conflicts (2 of 4 stars). 6 submissions from 6 submitters: Uncertain significance (6). Last evaluated 2026-06-09.

Conditions:
TTN-related disorder. Also called: TTN-related condition; TTN-related disease; TTN-related disorders.
Dilated cardiomyopathy 1G (CMD1G). Identifiers: Orphanet 154, MedGen C1858763, MONDO:0011400, OMIM 604145.
Autosomal recessive limb-girdle muscular dystrophy type 2J (LGMDR10). Also called: Limb-girdle muscular dystrophy, type 2J; MUSCULAR DYSTROPHY, LIMB-GIRDLE, AUTOSOMAL RECESSIVE 10. Identifiers: Orphanet 140922, MedGen C1837342, MONDO:0012127, OMIM 608807.

Allele frequency attached by ClinVar (database versions not stated): gnomAD exomes 0.00002 and 0.00005; ExAC 0.00003; gnomAD 0.00005 and 0.00006; TOPMed 0.00007; 1000 Genomes Project 0.00020; 1000 Genomes Project 30x 0.00031.
gnomAD v4.1: 34 of 1,609,118 alleles (0.0021%); highest among the groups gnomAD compares: East Asian, 0.013%; no homozygotes.

Submissions (6):

Women's Health and Genetics/Laboratory Corporation of America, LabCorp
Classification: Uncertain significance. Last evaluated: 2026-06-09. Review status: criteria provided, single submitter. Criteria: LabCorp Variant Classification Summary - May 2015. Collection method: clinical testing. Allele origin: germline.
Comment: Variant summary: TTN c.24734G>A (p.Arg8245Gln) results in a conservative amino acid change in the encoded protein sequence. Algorithms developed to predict the effect of missense changes on protein structure and function are either unavailable or do not agree on the potential impact of this missense change. The variant allele was found at a frequency of 4.8e-05 in 247596 control chromosomes. This frequency is not significantly higher than estimated for disease-causing variants in TTN, allowing no conclusion about variant significance. c.24734G>A has been observed in a case of stillbirth, without strong evidence for causality (Sahlin_2019). This report does not provide unequivocal conclusions about association of the variant with disease. To our knowledge, no experimental evidence demonstrating an impact on protein function has been reported. The following publication has been ascertained in the context of this evaluation (PMID: 30615648). ClinVar contains an entry for this variant (Variation ID: 166134). Based on the evidence outlined above, the variant was classified as uncertain significance.

PreventionGenetics, part of Exact Sciences
Classification: Uncertain significance for TTN-related condition. Last evaluated: 2025-12-31. Review status: criteria provided, single submitter. Criteria: ACMG Guidelines, 2015. Collection method: clinical testing. Allele origin: germline.
Comment: The TTN c.28466G>A variant is predicted to result in the amino acid substitution p.Arg9489Gln. To our knowledge, this variant has not been reported in the literature. This variant is reported in 0.015% of alleles in individuals of East Asian descent in gnomAD. At this time, the clinical significance of this variant is uncertain due to the absence of conclusive functional and genetic evidence.

Revvity Omics, Revvity
Classification: Uncertain significance. Last evaluated: 2023-11-21. Review status: criteria provided, single submitter. Criteria: ACMG Guidelines, 2015. Collection method: clinical testing. Allele origin: germline.

Eurofins Ntd Llc (ga)
Classification: Uncertain significance. Last evaluated: 2017-12-29. Review status: criteria provided, single submitter. Criteria: EGL Classification Definitions 2015. Collection method: clinical testing. Allele origin: germline. Observed: 1 variant allele, 1 heterozygote.

Labcorp Genetics (formerly Invitae), Labcorp
Classification: Uncertain significance for Dilated cardiomyopathy 1G; Autosomal recessive limb-girdle muscular dystrophy type 2J. Last evaluated: 2017-01-26. Review status: criteria provided, single submitter. Criteria: Invitae Variant Classification Sherloc (09022015). Collection method: clinical testing. Allele origin: germline.

Laboratory for Molecular Medicine, Mass General Brigham Personalized Medicine
Classification: Uncertain significance. Last evaluated: 2014-06-13. Review status: criteria provided, single submitter. Criteria: LMM Criteria. Collection method: clinical testing. Allele origin: germline. Observed: 1 variant allele.
Comment: The Arg8245Gln variant in TTN has not been previously reported in individuals wi th cardiomyopathy, but has been identified in 1/120 Colombian chromosomes by the 1000 Genomes Project (dbSNP rs189431308). Co mputational prediction tools and conservation analysis suggest that this variant may impact the protein, though this information is not predictive enough to det ermine pathogenicity. In summary, the clinical significance of the Arg8245Gln va riant is uncertain.

Literature cited by the submitters: PubMed 30615648 (cited by Women's Health and Genetics/Laboratory Corporation of America, LabCorp).